The following is an entry in ClinVar:

NM_000330.4(RS1):c.335_336dup (p.Leu113fs)

Genes: CDKL5 (cyclin dependent kinase like 5; plus strand), RS1 (retinoschisin 1; minus strand). Cytogenetic location: Xp22.13.
Variant type: Duplication.
Coding change: c.335_336dup on transcript NM_000330.4 (MANE Select); coding-DNA positions 335 to 336, 2 bases duplicated (GG; older notation c.335_336dupGG).
Protein change: p.Leu113fs; shifts the reading frame from leucine 113.
Molecular consequence: frameshift variant. On other transcripts: intron variant (2).
Genome position (GRCh38, 1-based): chrX:18,644,616-18,644,617, CC duplicated on the plus strand (GG on the coding strand, the reverse complement: RS1 is on the minus strand). VCF-style (leftmost placement, unchanged base first): chrX-18644615-G-GCC. GRCh37 (hg19) VCF-style: chrX-18662735-G-GCC.
Other names: c.2714-1391_2714-1390dup (NM_003159.3, NM_001037343.2); short protein forms L113fs.
Identifiers: ClinVar variation 953933 (VCV000953933.9), dbSNP rs1927705610, ClinGen allele CA1139667262.

ClinVar aggregate classification (germline): Pathogenic (1 of 4 stars; one submission).

Submission:

Labcorp Genetics (formerly Invitae), Labcorp
Classification: Pathogenic. Last evaluated: 2025-08-06. Review status: criteria provided, single submitter. Criteria: Invitae Variant Classification Sherloc (09022015). Collection method: clinical testing. Allele origin: germline.
Comment: This sequence change creates a premature translational stop signal (p.Leu113Glyfs*14) in the RS1 gene. It is expected to result in an absent or disrupted protein product. Loss-of-function variants in RS1 are known to be pathogenic (PMID: 9618178, 17172462). This variant is not present in population databases (gnomAD no frequency). This variant has not been reported in the literature in individuals affected with RS1-related conditions. ClinVar contains an entry for this variant (Variation ID: 953933). For these reasons, this variant has been classified as Pathogenic.

Literature cited by the submitters: PubMed 9618178; PubMed 17172462.